The following is an entry in ClinVar:

NM_198576.4(AGRN):c.5025C>T (p.Gly1675=)

Gene: AGRN (agrin; plus strand). Cytogenetic location: 1p36.33.
Variant type: single nucleotide variant.
Coding change: c.5025C>T on transcript NM_198576.4 (MANE Select); coding-DNA position 5025, C replaced by T.
Protein change: p.Gly1675=; no amino-acid change (glycine 1675 retained).
Molecular consequence: synonymous variant.
Genome position (GRCh38, 1-based): chr1:1,050,475, C>T. VCF-style: chr1-1050475-C-T. GRCh37 (hg19) VCF-style: chr1-985855-C-T.
Other names: p.Gly1675=; c.5025C>T, p.Gly1675= (NM_001305275.2); c.4710C>T, p.Gly1570= (NM_001364727.2).
Identifiers: ClinVar variation 263194 (VCV000263194.46), dbSNP rs147990356, ClinGen allele CA509825.
Genomic context (GRCh38, chr1:1,050,475, plus strand): 5'-CCATGACCCCAGGGAGAAGATGGCGCTGGAGGTCGTGTTCCTGGCACGAGGCCCCAGCGG[C>T]CTCCTGCTCTACAACGGGCAGAAGACGGACGGCAAGGGGGACTTCGTGTCGCTGGCACTG-3'
Protein context (NP_940978.2, residues 1665-1685): EVVFLARGPS[Gly1675=]LLLYNGQKTD

ClinVar aggregate classification (germline): Benign/Likely benign. Review status: criteria provided, multiple submitters, no conflicts (2 of 4 stars). 8 submissions from 8 submitters: Benign (6); Likely benign (2). Last evaluated 2026-08-01.

Conditions:
Congenital myasthenic syndrome 8. Also called: Myasthenic syndrome, congenital, 8, with pre- and postsynaptic defects; MYASTHENIC SYNDROME, CONGENITAL, DUE TO AGRIN DEFICIENCY. Identifiers: Orphanet 590, MedGen C3808739, MONDO:0014052, OMIM 615120.

Allele frequency attached by ClinVar (database versions not stated): 1000 Genomes Project 30x 0.00422; 1000 Genomes Project 0.00459; gnomAD 0.00536 and 0.00545; TOPMed 0.00541; gnomAD exomes 0.00589 and 0.00800; ESP Exome Variant Server 0.00600; ExAC 0.00608.
gnomAD v4.1: 12,477 of 1,612,942 alleles (0.77%); highest among the groups gnomAD compares: Non-Finnish European, 0.9%; 71 homozygotes.

Submissions (8):

CeGaT Center for Human Genetics Tuebingen
Classification: Likely benign. Last evaluated: 2026-08-01. Review status: criteria provided, single submitter. Criteria: CeGaT Center For Human Genetics Tuebingen Variant Classification Criteria Version 2. Collection method: clinical testing. Allele origin: germline. Affected: yes. Observed: 15 variant alleles.
Comment: AGRN: BP4, BP7, BS2

Labcorp Genetics (formerly Invitae), Labcorp
Classification: Benign for Congenital myasthenic syndrome 8. Last evaluated: 2026-02-01. Review status: criteria provided, single submitter. Criteria: Invitae Variant Classification Sherloc (09022015). Collection method: clinical testing. Allele origin: germline.

Mayo Clinic Laboratories, Mayo Clinic
Classification: Benign. Last evaluated: 2022-09-14. Review status: criteria provided, single submitter. Criteria: ACMG Guidelines, 2015. Collection method: clinical testing. Allele origin: germline. Observed: 5 variant alleles.
Comment: BS1, BS2, BP4, BP7

Fulgent Genetics
Classification: Likely benign for Congenital myasthenic syndrome 8. Last evaluated: 2021-07-29. Review status: criteria provided, single submitter. Criteria: ACMG Guidelines, 2015. Collection method: clinical testing. Allele origin: unknown.

Athena Diagnostics
Classification: Benign. Last evaluated: 2020-09-21. Review status: criteria provided, single submitter. Criteria: Athena Diagnostics criteria. Collection method: clinical testing. Allele origin: unknown.

GeneDx
Classification: Benign. Last evaluated: 2016-11-11. Review status: criteria provided, single submitter. Criteria: GeneDx Variant Classification (06012015). Collection method: clinical testing. Allele origin: germline. Affected: yes.
Comment: This variant is considered likely benign or benign based on one or more of the following criteria: it is a conservative change, it occurs at a poorly conserved position in the protein, it is predicted to be benign by multiple in silico algorithms, and/or has population frequency not consistent with disease.

Breakthrough Genomics
Classification: Benign. Review status: criteria provided, single submitter. Criteria: ACMG Guidelines, 2015. Collection method: not provided. Allele origin: germline. Inheritance: Autosomal recessive inheritance. Affected: yes.

PreventionGenetics, part of Exact Sciences
Classification: Benign. Review status: criteria provided, single submitter. Criteria: ACMG Guidelines, 2015. Collection method: clinical testing. Allele origin: germline.